The following is an entry in ClinVar:

NM_006265.3(RAD21):c.1563_1565del (p.Leu522del)

Gene: RAD21 (RAD21 cohesin complex component; minus strand). Cytogenetic location: 8q24.11.
Variant type: Deletion.
Coding change: c.1563_1565del on transcript NM_006265.3 (MANE Select); coding-DNA positions 1563 to 1565, 3 bases deleted (TCT; older notation c.1563_1565delTCT).
Protein change: p.Leu522del; deletes leucine 522.
Molecular consequence: inframe indel (on NM_006265.2).
Genome position (GRCh38, 1-based): chr8:116,850,673-116,850,675, AGA deleted on the plus strand (TCT on the coding strand, the reverse complement: RAD21 is on the minus strand); deleting any 3 consecutive bases within chr8:116,850,673-116,850,677 gives the same sequence; the c. name uses the placement nearest the transcript's 3' end. VCF-style (leftmost placement, unchanged base first): chr8-116850672-CAGA-C. GRCh37 (hg19) VCF-style: chr8-117862911-CAGA-C.
Other names: c.1561_1563delCTT, p.Leu522del (NM_006265.2); short protein forms L522del.
Identifiers: ClinVar variation 3359867 (VCV003359867.1).

ClinVar aggregate classification (germline): Uncertain significance (1 of 4 stars; one submission).

Submission:

GeneDx
Classification: Uncertain significance. Last evaluated: 2024-02-27. Review status: criteria provided, single submitter. Criteria: GeneDx Variant Classification Process June 2021. Collection method: clinical testing. Allele origin: germline. Affected: yes.
Comment: In-frame deletion of 1 amino acid in a non-repeat region; Not observed at significant frequency in large population cohorts (gnomAD); In silico analysis supports a deleterious effect on protein structure/function; Has not been previously published as pathogenic or benign to our knowledge